The following is an entry in ClinVar:

ClinVar aggregate classification (germline): Uncertain significance (1 of 4 stars; one submission).

Allele frequency attached by ClinVar (database versions not stated): gnomAD exomes below 0.00001; TOPMed below 0.00001.
gnomAD v4.1: 3 of 1,582,574 alleles (0.00019%); highest among the groups gnomAD compares: Non-Finnish European, 0.00026%; no homozygotes.

Submission:

GeneDx
Classification: Uncertain significance. Last evaluated: 2025-07-07. Review status: criteria provided, single submitter. Criteria: GeneDx Variant Classification Process June 2021. Collection method: clinical testing. Allele origin: germline. Affected: yes.
Comment: Not observed at significant frequency in large population cohorts (gnomAD); In silico analysis supports that this missense variant has a deleterious effect on protein structure/function; Has not been previously published as pathogenic or benign to our knowledge

NM_001162501.2(TNRC6B):c.3115G>C (p.Gly1039Arg)

Gene: TNRC6B (trinucleotide repeat containing adaptor 6B; plus strand). Cytogenetic location: 22q13.1.
Variant type: single nucleotide variant.
Coding change: c.3115G>C on transcript NM_001162501.2 (MANE Select); coding-DNA position 3115, G replaced by C.
Protein change: p.Gly1039Arg; replaces glycine 1039 with arginine.
Molecular consequence: missense variant.
Genome position (GRCh38, 1-based): chr22:40,273,574, G>C. VCF-style: chr22-40273574-G-C. GRCh37 (hg19) VCF-style: chr22-40669578-G-C.
Other names: c.874G>C, p.Gly292Arg (NM_001024843.2); c.2956G>C, p.Gly986Arg (NM_015088.3); short protein forms G1039R, G292R, G986R.
Identifiers: ClinVar variation 2574295 (VCV002574295.3), dbSNP rs2070595335, ClinGen allele CA411645404.